The following is an entry in ClinVar:

ClinVar aggregate classification (germline): Benign (0 of 4 stars; one submission).

Conditions:
HDLBP-related disorder. Also called: HDLBP-related condition.

Allele frequency attached by ClinVar (database versions not stated): 1000 Genomes Project 0.13778; 1000 Genomes Project 30x 0.14147; TOPMed 0.20977; ESP Exome Variant Server 0.22474.
gnomAD v4.1: 346,050 of 1,610,946 alleles (21%); highest among the groups gnomAD compares: Middle Eastern, 28%; 40,645 homozygotes.

Submissions (2):

PreventionGenetics, part of Exact Sciences
Classification: Benign for HDLBP-related condition. Last evaluated: 2019-10-18. Review status: no assertion criteria provided. Collection method: clinical testing. Allele origin: germline.
Comment: This variant is classified as benign based on ACMG/AMP sequence variant interpretation guidelines (Richards et al. 2015 PMID: 25741868, with internal and published modifications).

Dr. Peter K. Rogan Lab, Western University
No classification provided (evidence only). Condition: Familial cancer of breast. Review status: no classification provided. Collection method: in vitro. Allele origin: not applicable. Functional consequence: retained intron. Not counted in ClinVar's aggregate classification.

NM_005336.6(HDLBP):c.1253A>G (p.Asn418Ser)

Gene: HDLBP (high density lipoprotein binding protein; minus strand). Cytogenetic location: 2q37.3.
Variant type: single nucleotide variant.
Coding change: c.1253A>G on transcript NM_005336.6 (MANE Select); coding-DNA position 1253, A replaced by G.
Protein change: p.Asn418Ser; replaces asparagine 418 with serine.
Molecular consequence: missense variant.
Genome position (GRCh38, 1-based): chr2:241,253,433, T>C on the plus strand (A>G on the coding strand, the complement: HDLBP is on the minus strand). VCF-style: chr2-241253433-T-C. GRCh37 (hg19) VCF-style: chr2-242192848-T-C.
Other names: NC_000002.11:g.242192848T>C; c.1154A>G, p.Asn385Ser (NM_001243900.3); c.1253A>G, p.Asn418Ser (NM_001320965.3, NM_001320966.3, NM_001320967.3 and 1 more transcripts); short protein forms N385S, N418S.
Identifiers: ClinVar variation 3060902 (VCV003060902.3), dbSNP rs7578199, ClinGen allele CA2216734.